The following is an entry in ClinVar:

ClinVar aggregate classification (germline): Conflicting classifications of pathogenicity. Review status: criteria provided, conflicting classifications (1 of 4 stars). 5 submissions from 5 submitters: Likely pathogenic (1); Uncertain significance (4). Last evaluated 2025-08-08.

Conditions:
Hereditary cancer-predisposing syndrome. Also called: Tumor predisposition; Hereditary Cancer Syndrome; Hereditary neoplastic syndrome; Neoplastic Syndromes, Hereditary. Identifiers: Orphanet 140162, MedGen C0027672, MeSH D009386, MONDO:0015356.
Hereditary breast ovarian cancer syndrome. Also called: Breast and ovarian cancer; Hereditary breast and/or ovarian cancer syndrome; BRCA1- and BRCA2-Associated Hereditary Breast and Ovarian Cancer; Hereditary breast and ovarian cancer syndrome; Hereditary breast and ovarian cancer syndrome (HBOC); Hereditary breast and ovarian cancer. Identifiers: Orphanet 145, MedGen C0677776, MeSH D061325, MONDO:0003582. Disease mechanism: loss of function.
Breast-ovarian cancer, familial, susceptibility to, 1 (BROVCA1). Also called: BRCA1 Hereditary Breast and Ovarian Cancer; OVARIAN CANCER, SUSCEPTIBILITY TO. Identifiers: Orphanet 145, MedGen C2676676, MONDO:0011450, OMIM 604370. Disease mechanism: loss of function.
Pancreatic cancer, susceptibility to, 4. Identifiers: Orphanet 1333, MedGen C3280442, MONDO:0013685, OMIM 614320.
Fanconi anemia, complementation group S (FANCS). Identifiers: MedGen C4554406, MONDO:0054748, OMIM 617883.

Submissions (5):

Ambry Genetics
Classification: Uncertain significance for Hereditary cancer-predisposing syndrome. Last evaluated: 2025-08-08. Review status: criteria provided, single submitter. Criteria: Ambry Variant Classification Scheme 2023. Collection method: clinical testing. Allele origin: germline.
Comment: The c.593+4delA intronic variant, located in intron 7 of the BRCA1 gene, results from a deletion of one nucleotide within intron 7 of the BRCA1 gene. This nucleotide position is highly conserved in available vertebrate species. In silico splice site analysis predicts that this alteration will weaken the native splice donor site; however, this alteration occurs at a splice junction that is located at a naturally occurring, alternatively spliced exon and, thus, the effects of abnormal splicing cannot be predicted (Ambry internal data; Colombo M et al. Hum. Mol. Genet., 2014 Jul;23:3666-80). Based on the available evidence, the clinical significance of this alteration remains unclear.

Fulgent Genetics
Classification: Uncertain significance for Breast-ovarian cancer, familial, susceptibility to, 1; Pancreatic cancer, susceptibility to, 4; Fanconi anemia, complementation group S. Last evaluated: 2024-02-15. Review status: criteria provided, single submitter. Criteria: ACMG Guidelines, 2015. Collection method: clinical testing. Allele origin: germline.

Baylor Genetics
Classification: Likely pathogenic for Breast-ovarian cancer, familial, susceptibility to, 1. Last evaluated: 2023-11-27. Review status: criteria provided, single submitter. Criteria: ACMG Guidelines, 2015. Collection method: clinical testing. Allele origin: unknown.

Labcorp Genetics (formerly Invitae), Labcorp
Classification: Uncertain significance for Hereditary breast ovarian cancer syndrome. Last evaluated: 2023-02-01. Review status: criteria provided, single submitter. Criteria: Invitae Variant Classification Sherloc (09022015). Collection method: clinical testing. Allele origin: germline.
Comment: This sequence change falls in intron 8 of the BRCA1 gene. It does not directly change the encoded amino acid sequence of the BRCA1 protein. It affects a nucleotide within the consensus splice site. This variant is not present in population databases (gnomAD no frequency). This variant has not been reported in the literature in individuals affected with BRCA1-related conditions. ClinVar contains an entry for this variant (Variation ID: 531202). Variants that disrupt the consensus splice site are a relatively common cause of aberrant splicing (PMID: 17576681, 9536098). Algorithms developed to predict the effect of sequence changes on RNA splicing suggest that this variant may disrupt the consensus splice site. In summary, the available evidence is currently insufficient to determine the role of this variant in disease. Therefore, it has been classified as a Variant of Uncertain Significance.

GeneDx
Classification: Uncertain significance. Last evaluated: 2020-05-01. Review status: criteria provided, single submitter. Criteria: GeneDx Variant Classification Process June 2021. Collection method: clinical testing. Allele origin: germline. Affected: yes.
Comment: Has not been previously published as pathogenic or benign to our knowledge; Not observed in large population cohorts (Lek 2016); In silico analysis supports a deleterious effect on splicing; Also known as 712+4delG

Literature cited by the submitters: PubMed 24569164 (cited by Ambry Genetics); PubMed 17576681 (cited by Labcorp Genetics (formerly Invitae), Labcorp); PubMed 9536098 (cited by Labcorp Genetics (formerly Invitae), Labcorp).

NM_007294.4(BRCA1):c.593+4del

Gene: BRCA1 (BRCA1 DNA repair associated; minus strand). Cytogenetic location: 17q21.31.
Variant type: Deletion.
Coding change: c.593+4del on transcript NM_007294.4 (MANE Select); 4 bases into the intron after coding-DNA position 593, one base deleted (A; older notation c.593+4delA).
Molecular consequence: intron variant.
Genome position (GRCh38, 1-based): chr17:43,097,240, T deleted on the plus strand (A on the coding strand, the reverse complement: BRCA1 is on the minus strand). VCF-style (leftmost placement, unchanged base first): chr17-43097239-CT-C. GRCh37 (hg19) VCF-style: chr17-41249256-CT-C.
Other names: c.593+4delA (NM_007294.3); c.452+4del (NM_001408458.1, NM_001408469.1, NM_001408453.1 and 43 more transcripts); c.-218-2380del (NM_001407967.1, NM_001407966.1); c.212+4del (NM_001407959.1, NM_001408510.1, NM_001407963.1 and 1 more transcripts); c.404-2380del (NM_001407931.1, NM_001407932.1, NM_001408503.1 and 5 more transcripts); c.449+4del (NM_001407747.1, NM_001408470.1, NM_001407848.1 and 26 more transcripts); c.209+4del (NM_001407962.1); c.167-2380del (NM_001408512.1, NM_001407965.1); and 18 more.
Identifiers: ClinVar variation 531202 (VCV000531202.16), dbSNP rs1555594036, ClinGen allele CA658798861.